The following is an entry in ClinVar:

NM_000489.6(ATRX):c.583_585del (p.Leu195del)

Gene: ATRX (ATRX chromatin remodeler; minus strand). Cytogenetic location: Xq21.1.
Variant type: Deletion.
Coding change: c.583_585del on transcript NM_000489.6 (MANE Select); coding-DNA positions 583 to 585, 3 bases deleted (CTT; older notation c.583_585delCTT).
Protein change: p.Leu195del; deletes leucine 195.
Molecular consequence: inframe deletion.
Genome position (GRCh38, 1-based): chrX:77,688,827-77,688,829, AAG deleted on the plus strand (CTT on the coding strand, the reverse complement: ATRX is on the minus strand); deleting any 3 consecutive bases within chrX:77,688,827-77,688,831 gives the same sequence; the c. name uses the placement nearest the transcript's 3' end. VCF-style (leftmost placement, unchanged base first): chrX-77688826-TAAG-T. GRCh37 (hg19) VCF-style: chrX-76944319-TAAG-T.
Other names: c.469_471del, p.Leu157del (NM_138270.5); short protein forms L195del, L157del.
Identifiers: ClinVar variation 1749972 (VCV001749972.2), dbSNP rs2520074625, ClinGen allele CA2580101409.

ClinVar aggregate classification (germline): Uncertain significance (1 of 4 stars; one submission).

Conditions:
Inborn genetic diseases. Identifiers: MedGen C0950123, MeSH D030342.

Submission:

Ambry Genetics
Classification: Uncertain significance for Inborn genetic diseases. Last evaluated: 2016-04-22. Review status: criteria provided, single submitter. Criteria: Ambry Variant Classification Scheme 2023. Collection method: clinical testing. Allele origin: germline.
Comment: The c.583_585delCTT variant (also known as p.L195del) is located in coding exon 7 of the ATRX gene. This variant results from an in-frame CTT deletion between nucleotide positions 583 and 585, which results in the deletion of a single leucine residue at codon 195 in the plant homeodomain (PHD)-like domain. Genet. 2006; 70(1):57-62). The PHD-like domain is thought to be involved in protein&ndash;protein interaction, possibly DNA binding, and is a &ldquo;hot-spot&rdquo; for mutations in exons 7, 8, and in the 5' region of exon 9 (Gibbons RJ, Hum. Mutat. 2008; 29(6):796-802); Badens C et al. Clin. Genet. 2006; 70(1):57-62). In addition to the clinically heterogeneous spectrum of X-linked intellectual disability, mutations in the (PHD)-like domain produce severe and permanent psychomotor deficiency, as well as constant urogenital abnormalities (Badens C et al. Clin. Genet. 2006; 70(1):57-62). This variant was not reported in population based cohorts in the following databases: Database of Single Nucleotide Polymorphisms (dbSNP),NHLBI Exome Sequencing Project (ESP), and 1000 Genomes Project. In the ESP, this variant was not observed in 6499 samples with coverage at this position. This amino acid position is highly conserved in available vertebrate species. Using the BDGP and ESEfinder splice site prediction tools, this alteration is not predicted to have any significant effect on this splice donor site; however, direct evidence is unavailable. Based on available evidence to date, the clinical significance of this variant remains unclear.

Literature cited by the submitters: PubMed 16813605; PubMed 18409179.